The following is an entry in ClinVar:

ClinVar aggregate classification (germline): Likely benign. Review status: criteria provided, multiple submitters, no conflicts (2 of 4 stars). 2 submissions from 2 submitters: Likely benign (2). Last evaluated 2025-07-05.

Conditions:
Spastic paraplegia. Identifiers: MedGen C0037772, HP:0001258.

Allele frequency attached by ClinVar (database versions not stated): gnomAD exomes below 0.00001 and 0.00001; ExAC 0.00001; TOPMed 0.00002.
gnomAD v4.1: 10 of 1,613,182 alleles (0.00062%); highest among the groups gnomAD compares: Admixed American, 0.0033%; no homozygotes.

Submissions (2):

Labcorp Genetics (formerly Invitae), Labcorp
Classification: Likely benign for Spastic paraplegia. Last evaluated: 2025-07-05. Review status: criteria provided, single submitter. Criteria: Invitae Variant Classification Sherloc (09022015). Collection method: clinical testing. Allele origin: germline.

CeGaT Center for Human Genetics Tuebingen
Classification: Likely benign. Last evaluated: 2022-11-01. Review status: criteria provided, single submitter. Criteria: CeGaT Center For Human Genetics Tuebingen Variant Classification Criteria Version 2. Collection method: clinical testing. Allele origin: germline. Affected: yes. Observed: 1 variant allele.
Comment: KIF5A: BP4, BP7

NM_004984.4(KIF5A):c.303C>T (p.His101=)

Gene: KIF5A (kinesin family member 5A; plus strand). Cytogenetic location: 12q13.3.
Variant type: single nucleotide variant.
Coding change: c.303C>T on transcript NM_004984.4 (MANE Select); coding-DNA position 303, C replaced by T.
Protein change: p.His101=; no amino-acid change (histidine 101 retained).
Molecular consequence: synonymous variant. On other transcripts: intron variant (1).
Genome position (GRCh38, 1-based): chr12:57,564,119, C>T. VCF-style: chr12-57564119-C-T. GRCh37 (hg19) VCF-style: chr12-57957902-C-T.
Other names: c.130-341C>T (NM_001354705.2).
Identifiers: ClinVar variation 1530559 (VCV001530559.31), dbSNP rs769191561, ClinGen allele CA6652562.